The following is an entry in ClinVar:

ClinVar aggregate classification (germline): Pathogenic (1 of 4 stars; one submission).

Conditions:
CEP290-related ciliopathy. Also called: CEP290 ciliopathy. Identifiers: MedGen CN305601, MONDO:0100451.

Submission:

Myriad Genetics, Inc.
Classification: Pathogenic for CEP290-related ciliopathy. Last evaluated: 2026-02-19. Review status: criteria provided, single submitter. Criteria: Myriad Autosomal Dominant, Autosomal Recessive and X-Linked Classification Criteria (2023). Collection method: clinical testing. Allele origin: unknown.
Comment: NM_025114.3(CEP290):c.5995_5999del5(D1999Ifs*23) is expected to be pathogenic in the context of CEP290-related disorders. This variant is predicted to lead to an abnormal or absent protein product due to the creation of a premature termination codon in CEP290, a gene where loss-of-function variants are known to be pathogenic. Please note: this variant was assessed in the context of healthy population screening.

NM_025114.4(CEP290):c.5995_5999del (p.Asp1999fs)

Gene: CEP290 (centrosomal protein 290; minus strand). Cytogenetic location: 12q21.32.
Variant type: Deletion.
Coding change: c.5995_5999del on transcript NM_025114.4 (MANE Select); coding-DNA positions 5995 to 5999, 5 bases deleted (GATAT; older notation c.5995_5999delGATAT).
Protein change: p.Asp1999fs; shifts the reading frame from aspartic acid 1999.
Molecular consequence: frameshift variant.
Genome position (GRCh38, 1-based): chr12:88,071,306-88,071,310, ATATC deleted on the plus strand (GATAT on the coding strand, the reverse complement: CEP290 is on the minus strand); deleting any 5 consecutive bases within chr12:88,071,306-88,071,312 gives the same sequence; the c. name uses the placement nearest the transcript's 3' end. VCF-style (leftmost placement, unchanged base first): chr12-88071305-TATATC-T. GRCh37 (hg19) VCF-style: chr12-88465082-TATATC-T.
Other names: short protein forms D1999fs.
Identifiers: ClinVar variation 5015577 (VCV005015577.1).